The following is an entry in ClinVar:

NM_017514.5(PLXNA3):c.-4G>A

Gene: PLXNA3 (plexin A3; plus strand). Cytogenetic location: Xq28.
Variant type: single nucleotide variant.
Coding change: c.-4G>A on transcript NM_017514.5 (MANE Select); 4 bases upstream of the start codon, G replaced by A.
Molecular consequence: 5 prime UTR variant.
Genome position (GRCh38, 1-based): chrX:154,460,180, G>A. VCF-style: chrX-154460180-G-A. GRCh37 (hg19) VCF-style: chrX-153688520-G-A.
Identifiers: ClinVar variation 3036482 (VCV003036482.2), dbSNP rs782437535, ClinGen allele CA10563560.

ClinVar aggregate classification (germline): Likely benign (0 of 4 stars; one submission).

Conditions:
PLXNA3-related disorder. Also called: PLXNA3-related condition.

Allele frequency attached by ClinVar (database versions not stated): gnomAD exomes 0.00001; ExAC 0.00003; gnomAD 0.00003.
gnomAD v4.1: 9 of 1,185,525 alleles (0.00076%); highest among the groups gnomAD compares: African/African-American, 0.0053%; no homozygotes.

Submission:

PreventionGenetics, part of Exact Sciences
Classification: Likely benign for PLXNA3-related condition. Last evaluated: 2022-05-25. Review status: no assertion criteria provided. Collection method: clinical testing. Allele origin: germline.
Comment: This variant is classified as likely benign based on ACMG/AMP sequence variant interpretation guidelines (Richards et al. 2015 PMID: 25741868, with internal and published modifications).